The following is an entry in ClinVar:

ClinVar aggregate classification (germline): Conflicting classifications of pathogenicity. Review status: criteria provided, conflicting classifications (1 of 4 stars). 6 submissions from 6 submitters: Uncertain significance (1); Likely benign (2). 3 of the submissions do not count toward it. Last evaluated 2026-02-04.

Conditions:
Smith-McCort dysplasia 2 (SMC2). Identifiers: MedGen C3714896, MONDO:0014087, OMIM 615222.
RAB33B-related disorder. Also called: RAB33B-related condition.

Allele frequency attached by ClinVar (database versions not stated): 1000 Genomes Project 0.00060; 1000 Genomes Project 30x 0.00062; ExAC 0.00147; gnomAD exomes 0.00156 and 0.00304; TOPMed 0.00182; gnomAD 0.00204 and 0.00210; ESP Exome Variant Server 0.00284.
gnomAD v4.1: 4,695 of 1,614,092 alleles (0.29%); highest among the groups gnomAD compares: Non-Finnish European, 0.38%; 7 homozygotes.

Submissions (6):

Labcorp Genetics (formerly Invitae), Labcorp
Classification: Likely benign. Last evaluated: 2026-02-04. Review status: criteria provided, single submitter. Criteria: Invitae Variant Classification Sherloc (09022015). Collection method: clinical testing. Allele origin: germline.

Blueprint Genetics
Classification: Likely benign. Last evaluated: 2024-11-21. Review status: criteria provided, single submitter. Criteria: ACMG Guidelines, 2015. Collection method: clinical testing. Allele origin: germline.

Illumina Laboratory Services, Illumina
Classification: Uncertain significance for Smith-McCort dysplasia 2. Last evaluated: 2018-01-12. Review status: criteria provided, single submitter. Criteria: ICSL Variant Classification Criteria 13 December 2019. Collection method: clinical testing. Allele origin: germline.

PreventionGenetics, part of Exact Sciences
Classification: Likely benign for RAB33B-related condition. Last evaluated: 2022-04-06. Review status: no assertion criteria provided. Collection method: clinical testing. Allele origin: germline. Not counted in ClinVar's aggregate classification.
Comment: This variant is classified as likely benign based on ACMG/AMP sequence variant interpretation guidelines (Richards et al. 2015 PMID: 25741868, with internal and published modifications).

Clinical Genetics DNA and cytogenetics Diagnostics Lab, Erasmus MC, Erasmus Medical Center
Classification: Uncertain significance. Review status: no assertion criteria provided. Collection method: clinical testing. Allele origin: germline. Affected: yes. Study: VKGL Data-share Consensus. Not counted in ClinVar's aggregate classification.

Laboratory of Diagnostic Genome Analysis, Leiden University Medical Center (LUMC)
Classification: Uncertain significance. Review status: no assertion criteria provided. Collection method: clinical testing. Allele origin: germline. Affected: yes. Study: VKGL Data-share Consensus. Not counted in ClinVar's aggregate classification.

NM_031296.3(RAB33B):c.530C>T (p.Thr177Met)

Gene: RAB33B (RAB33B, member RAS oncogene family; plus strand). Cytogenetic location: 4q31.1.
Variant type: single nucleotide variant.
Coding change: c.530C>T on transcript NM_031296.3 (MANE Select); coding-DNA position 530, C replaced by T.
Protein change: p.Thr177Met; replaces threonine 177 with methionine.
Molecular consequence: missense variant.
Genome position (GRCh38, 1-based): chr4:139,472,966, C>T. VCF-style: chr4-139472966-C-T. GRCh37 (hg19) VCF-style: chr4-140394120-C-T.
Other names: c.530C>T (NM_031296.2); short protein forms T177M.
Identifiers: ClinVar variation 901955 (VCV000901955.16), dbSNP rs140381459, ClinGen allele CA3084027.
Genomic context (GRCh38, chr4:139,472,966, plus strand): 5'-AGGTACCCACAGACTTGGCACAAAAATTTGCTGACACACACAGTATGCCTTTGTTTGAAA[C>T]GTCTGCTAAAAACCCCAATGATAATGACCATGTGGAAGCTATATTTATGACCTTGGCTCA-3'
Protein context (NP_112586.1, residues 167-187): ADTHSMPLFE[Thr177Met]SAKNPNDNDH